The following is an entry in ClinVar:

NM_001111.5(ADAR):c.1514T>A (p.Ile505Asn)

Gene: ADAR (adenosine deaminase RNA specific; minus strand). Cytogenetic location: 1q21.3.
Variant type: single nucleotide variant.
Coding change: c.1514T>A on transcript NM_001111.5 (MANE Select); coding-DNA position 1514, T replaced by A.
Protein change: p.Ile505Asn; replaces isoleucine 505 with asparagine.
Molecular consequence: missense variant.
Genome position (GRCh38, 1-based): chr1:154,601,128, A>T on the plus strand (T>A on the coding strand, the complement: ADAR is on the minus strand). VCF-style: chr1-154601128-A-T. GRCh37 (hg19) VCF-style: chr1-154573604-A-T.
Other names: c.629T>A, p.Ile210Asn (NM_001025107.3, NM_001193495.2, NM_001365046.1 and 3 more transcripts); c.1541T>A, p.Ile514Asn (NM_001365045.1); c.1514T>A, p.Ile505Asn (NM_015840.4, NM_015841.4); short protein forms I210N, I505N, I514N.
Identifiers: ClinVar variation 3756286 (VCV003756286.2).

ClinVar aggregate classification (germline): Uncertain significance (1 of 4 stars; one submission).

Conditions:
Symmetrical dyschromatosis of extremities (DSH). Also called: DYSCHROMATOSIS SYMMETRICA HEREDITARIA 1; RETICULATE ACROPIGMENTATION OF DOHI; SYMMETRIC DYSCHROMATOSIS OF THE EXTREMITIES; Dyschromatosis symmetrica hereditaria. Identifiers: Orphanet 41, MedGen C0406775, MONDO:0007483, OMIM 127400.
Aicardi-Goutieres syndrome 6 (AGS6). Identifiers: Orphanet 51, MedGen C3539013, MONDO:0014007, OMIM 615010.

Submission:

Labcorp Genetics (formerly Invitae), Labcorp
Classification: Uncertain significance for Aicardi-Goutieres syndrome 6; Symmetrical dyschromatosis of extremities. Last evaluated: 2024-05-10. Review status: criteria provided, single submitter. Criteria: Invitae Variant Classification Sherloc (09022015). Collection method: clinical testing. Allele origin: germline.
Comment: This sequence change replaces isoleucine, which is neutral and non-polar, with asparagine, which is neutral and polar, at codon 505 of the ADAR protein (p.Ile505Asn). This variant is not present in population databases (gnomAD no frequency). This variant has not been reported in the literature in individuals affected with ADAR-related conditions. Advanced modeling of protein sequence and biophysical properties (such as structural, functional, and spatial information, amino acid conservation, physicochemical variation, residue mobility, and thermodynamic stability) performed at Invitae indicates that this missense variant is not expected to disrupt ADAR protein function with a negative predictive value of 80%. In summary, the available evidence is currently insufficient to determine the role of this variant in disease. Therefore, it has been classified as a Variant of Uncertain Significance.